The following is an entry in ClinVar:

NM_001204.7(BMPR2):c.398C>T (p.Pro133Leu)

Gene: BMPR2 (bone morphogenetic protein receptor type 2; plus strand). Cytogenetic location: 2q33.1.
Variant type: single nucleotide variant.
Coding change: c.398C>T on transcript NM_001204.7 (MANE Select); coding-DNA position 398, C replaced by T.
Protein change: p.Pro133Leu; replaces proline 133 with leucine.
Molecular consequence: missense variant.
Genome position (GRCh38, 1-based): chr2:202,467,669, C>T. VCF-style: chr2-202467669-C-T. GRCh37 (hg19) VCF-style: chr2-203332392-C-T.
Other names: short protein forms P133L.
Identifiers: ClinVar variation 3824896 (VCV003824896.1).

ClinVar aggregate classification (germline): Uncertain significance (1 of 4 stars; one submission).

Conditions:
Inborn genetic diseases. Identifiers: MedGen C0950123, MeSH D030342.

Submission:

Ambry Genetics
Classification: Uncertain significance for Inborn genetic diseases. Last evaluated: 2025-02-09. Review status: criteria provided, single submitter. Criteria: Ambry Variant Classification Scheme 2023. Collection method: clinical testing. Allele origin: germline.
Comment: The p.P133L variant (also known as c.398C>T), located in coding exon 3 of the BMPR2 gene, results from a C to T substitution at nucleotide position 398. The proline at codon 133 is replaced by leucine, an amino acid with similar properties. This amino acid position is conserved. In addition, this alteration is predicted to be tolerated by in silico analysis. Based on the available evidence, the clinical significance of this variant remains unclear.